The following is an entry in ClinVar:

NM_007294.4(BRCA1):c.192T>C (p.Cys64=)

Gene: BRCA1 (BRCA1 DNA repair associated; minus strand). Cytogenetic location: 17q21.31.
Variant type: single nucleotide variant.
Coding change: c.192T>C on transcript NM_007294.4 (MANE Select); coding-DNA position 192, T replaced by C.
Protein change: p.Cys64=; no amino-acid change (cysteine 64 retained).
Molecular consequence: synonymous variant. On other transcripts: intron variant (34), splice donor variant (61).
Genome position (GRCh38, 1-based): chr17:43,106,476, A>G on the plus strand (T>C on the coding strand, the complement: BRCA1 is on the minus strand). VCF-style: chr17-43106476-A-G. GRCh37 (hg19) VCF-style: chr17-41258493-A-G.
Other names: c.192T>C, p.Cys64= (NM_001407686.1, NM_001407687.1, NM_001407688.1 and 168 more transcripts); c.51T>C, p.Cys17= (NM_001407692.1, NM_001407694.1, NM_001407695.1 and 99 more transcripts); c.-218-11616T>C (NM_001407967.1, NM_001407966.1); c.-169-1520T>C (NM_001407959.1, NM_001407962.1, NM_001408512.1 and 4 more transcripts); c.2+2T>C (NM_001407885.1, NM_001407886.1, NM_001407898.1 and 58 more transcripts); c.81-1520T>C (NM_001408451.1); c.135-1520T>C (NM_001408475.1, NM_001407875.1, NM_001407659.1 and 21 more transcripts).
Identifiers: ClinVar variation 867931 (VCV000867931.3), dbSNP rs587781632, ClinGen allele CA500128109.

Conditions:
Breast-ovarian cancer, familial, susceptibility to, 1 (BROVCA1). Also called: BRCA1 Hereditary Breast and Ovarian Cancer; OVARIAN CANCER, SUSCEPTIBILITY TO. Identifiers: Orphanet 145, MedGen C2676676, MONDO:0011450, OMIM 604370. Disease mechanism: loss of function.

Submission:

Brotman Baty Institute, University of Washington
No classification provided (evidence only). Condition: Breast-ovarian cancer, familial 1. Review status: no classification provided. Collection method: in vitro. Allele origin: not applicable. Functional consequence: functionally_normal.
ClinVar note: "not provided" was previously submitted as the classification for the variant. However, the classification appeared to be based only on an observation of functional data so it was converted to no classification on 2025-07-30.